The following is an entry in ClinVar:

NM_004360.5(CDH1):c.1060G>T (p.Gly354Trp)

Gene: CDH1 (cadherin 1; plus strand). Cytogenetic location: 16q22.1.
Variant type: single nucleotide variant.
Coding change: c.1060G>T on transcript NM_004360.5 (MANE Select); coding-DNA position 1060, G replaced by T.
Protein change: p.Gly354Trp; replaces glycine 354 with tryptophan.
Molecular consequence: missense variant. On other transcripts: 5 prime UTR variant (2).
Genome position (GRCh38, 1-based): chr16:68,812,186, G>T. VCF-style: chr16-68812186-G-T. GRCh37 (hg19) VCF-style: chr16-68846089-G-T.
Other names: c.1060G>T, p.Gly354Trp (NM_001317184.2); c.-556G>T (NM_001317185.2); c.-760G>T (NM_001317186.2); short protein forms G354W.
Identifiers: ClinVar variation 1780206 (VCV001780206.7), dbSNP rs2152132590, ClinGen allele CA396460020.

ClinVar aggregate classification (germline): Uncertain significance. Review status: criteria provided, multiple submitters, no conflicts (2 of 4 stars). 2 submissions from 2 submitters: Uncertain significance (2). Last evaluated 2022-04-07.

Conditions:
Hereditary cancer-predisposing syndrome. Also called: Tumor predisposition; Neoplastic Syndromes, Hereditary; Hereditary Cancer Syndrome; Hereditary neoplastic syndrome. Identifiers: Orphanet 140162, MedGen C0027672, MeSH D009386, MONDO:0015356.
Hereditary diffuse gastric adenocarcinoma (HDGC). Also called: DIFFUSE GASTRIC AND LOBULAR BREAST CANCER SYNDROME. Identifiers: Orphanet 26106, MedGen C1708349, MONDO:0007648, OMIM 137215.

Submissions (2):

Labcorp Genetics (formerly Invitae), Labcorp
Classification: Uncertain significance for Hereditary diffuse gastric adenocarcinoma. Last evaluated: 2022-04-07. Review status: criteria provided, single submitter. Criteria: Invitae Variant Classification Sherloc (09022015). Collection method: clinical testing. Allele origin: germline.
Comment: In summary, the available evidence is currently insufficient to determine the role of this variant in disease. Therefore, it has been classified as a Variant of Uncertain Significance. Algorithms developed to predict the effect of sequence changes on RNA splicing suggest that this variant may create or strengthen a splice site. Algorithms developed to predict the effect of missense changes on protein structure and function (SIFT, PolyPhen-2, Align-GVGD) all suggest that this variant is likely to be disruptive. This variant has not been reported in the literature in individuals affected with CDH1-related conditions. This variant is not present in population databases (gnomAD no frequency). This sequence change replaces glycine, which is neutral and non-polar, with tryptophan, which is neutral and slightly polar, at codon 354 of the CDH1 protein (p.Gly354Trp).

Ambry Genetics
Classification: Uncertain significance for Hereditary cancer-predisposing syndrome. Last evaluated: 2017-10-20. Review status: criteria provided, single submitter. Criteria: Ambry Variant Classification Scheme 2023. Collection method: clinical testing. Allele origin: germline.
Comment: The p.G354W variant (also known as c.1060G>T), located in coding exon 8 of the CDH1 gene, results from a G to T substitution at nucleotide position 1060. The glycine at codon 354 is replaced by tryptophan, an amino acid with highly dissimilar properties. This amino acid position is highly conserved in available vertebrate species. In addition, the in silico prediction for this alteration is inconclusive. Since supporting evidence is limited at this time, the clinical significance of this alteration remains unclear.